The following is an entry in ClinVar:

NM_201525.4(ADGRG1):c.214C>T (p.Pro72Ser)

Gene: ADGRG1 (adhesion G protein-coupled receptor G1; plus strand). Cytogenetic location: 16q21.
Variant type: single nucleotide variant.
Coding change: c.214C>T on transcript NM_201525.4 (MANE Select); coding-DNA position 214, C replaced by T.
Protein change: p.Pro72Ser; replaces proline 72 with serine.
Molecular consequence: missense variant. On other transcripts: 5 prime UTR variant (5), intron variant (2).
Genome position (GRCh38, 1-based): chr16:57,651,349, C>T. VCF-style: chr16-57651349-C-T. GRCh37 (hg19) VCF-style: chr16-57685261-C-T.
Other names: p.Pro72Ser; c.214C>T (NM_005682.5); c.214C>T, p.Pro72Ser (NM_001145770.3, NM_001145771.3, NM_001145772.3 and 16 more transcripts); c.229C>T, p.Pro77Ser (NM_001145773.3, NM_001370433.1); c.-312C>T (NM_001290143.2, NM_001290144.2, NM_001370451.1 and 2 more transcripts); c.110+104C>T (NM_001290142.2); c.65-7C>T (NM_001370442.1); short protein forms P72S, P77S.
Identifiers: ClinVar variation 789837 (VCV000789837.18), dbSNP rs144561715, ClinGen allele CA8078317.

ClinVar aggregate classification (germline): Conflicting classifications of pathogenicity. Review status: criteria provided, conflicting classifications (1 of 4 stars). 8 submissions from 8 submitters: Uncertain significance (5); Likely benign (1). 2 of the submissions do not count toward it. Last evaluated 2026-01-25.

Conditions:
Bilateral frontoparietal polymicrogyria. Also called: CORTICAL DYSPLASIA, COMPLEX, WITH OTHER BRAIN MALFORMATIONS 14A (BILATERAL FRONTOPARIETAL); CEREBELLAR ATAXIA WITH NEURONAL MIGRATION DEFECT. Identifiers: Orphanet 101070, MedGen C1847352, MONDO:0011738, OMIM 606854.
ADGRG1-related disorder. Also called: ADGRG1-related condition.

Allele frequency attached by ClinVar (database versions not stated): TOPMed 0.00027; gnomAD 0.00029 and 0.00030; ESP Exome Variant Server 0.00077.
gnomAD v4.1: 812 of 1,614,114 alleles (0.05%); highest among the groups gnomAD compares: Non-Finnish European, 0.057%; 1 homozygote.

Submissions (8):

Labcorp Genetics (formerly Invitae), Labcorp
Classification: Likely benign. Last evaluated: 2026-01-25. Review status: criteria provided, single submitter. Criteria: Invitae Variant Classification Sherloc (09022015). Collection method: clinical testing. Allele origin: germline.

Women's Health and Genetics/Laboratory Corporation of America, LabCorp
Classification: Uncertain significance. Last evaluated: 2026-01-12. Review status: criteria provided, single submitter. Criteria: LabCorp Variant Classification Summary - May 2015. Collection method: clinical testing. Allele origin: germline.
Comment: Variant summary: ADGRG1 c.214C>T (p.Pro72Ser) results in a non-conservative amino acid change in the encoded protein sequence. Algorithms developed to predict the effect of missense changes on protein structure and function are either unavailable or do not agree on the potential impact of this missense change. The variant allele was found at a frequency of 0.00061 in 251488 control chromosomes. This frequency is not significantly higher than estimated for disease-causing variants in ADGRG1, allowing no conclusion about variant significance. To our knowledge, no occurrence of c.214C>T in individuals affected with ADGRG1-related conditions and no experimental evidence demonstrating its impact on protein function have been reported. ClinVar contains an entry for this variant (Variation ID: 789837). Based on the evidence outlined above, the variant was classified as uncertain significance.

Mayo Clinic Laboratories, Mayo Clinic
Classification: Uncertain significance. Last evaluated: 2025-03-25. Review status: criteria provided, single submitter. Criteria: ACMG Guidelines, 2015. Collection method: clinical testing. Allele origin: germline. Observed: 1 variant allele.

ARUP Laboratories, Molecular Genetics and Genomics, ARUP Laboratories
Classification: Uncertain significance. Last evaluated: 2024-08-27. Review status: criteria provided, single submitter. Criteria: ARUP Molecular Germline Variant Investigation Process 2024. Collection method: clinical testing. Allele origin: germline.

Blueprint Genetics
Classification: Uncertain significance. Last evaluated: 2024-07-11. Review status: criteria provided, single submitter. Criteria: ACMG Guidelines, 2015. Collection method: clinical testing. Allele origin: germline.

GeneDx
Classification: Uncertain significance. Last evaluated: 2023-02-15. Review status: criteria provided, single submitter. Criteria: GeneDx Variant Classification Process June 2021. Collection method: clinical testing. Allele origin: germline. Affected: yes.
Comment: In silico analysis supports that this missense variant has a deleterious effect on protein structure/function; Has not been previously published as pathogenic or benign to our knowledge; In silico analysis suggests this variant may impact gene splicing. In the absence of RNA/functional studies, the actual effect of this sequence change is unknown.

PreventionGenetics, part of Exact Sciences
Classification: Likely benign for ADGRG1-related condition. Last evaluated: 2023-09-29. Review status: no assertion criteria provided. Collection method: clinical testing. Allele origin: germline. Not counted in ClinVar's aggregate classification.
Comment: This variant is classified as likely benign based on ACMG/AMP sequence variant interpretation guidelines (Richards et al. 2015 PMID: 25741868, with internal and published modifications).

Natera, Inc.
Classification: Uncertain significance for Bilateral frontoparietal polymicrogyria. Last evaluated: 2020-01-17. Review status: no assertion criteria provided. Collection method: clinical testing. Allele origin: germline. Not counted in ClinVar's aggregate classification.